The following is an entry in ClinVar:

NM_016302.4(CRBN):c.576A>C (p.Ser192=)

Gene: CRBN (cereblon; minus strand). Cytogenetic location: 3p26.2.
Variant type: single nucleotide variant.
Coding change: c.576A>C on transcript NM_016302.4 (MANE Select); coding-DNA position 576, A replaced by C.
Protein change: p.Ser192=; no amino-acid change (serine 192 retained).
Molecular consequence: synonymous variant.
Genome position (GRCh38, 1-based): chr3:3,167,745, T>G on the plus strand (A>C on the coding strand, the complement: CRBN is on the minus strand). VCF-style: chr3-3167745-T-G. GRCh37 (hg19) VCF-style: chr3-3209429-T-G.
Other names: c.573A>C, p.Ser191= (NM_001173482.1).
Identifiers: ClinVar variation 2672924 (VCV002672924.23), dbSNP rs2471462748, ClinGen allele CA432118507.

ClinVar aggregate classification (germline): Likely benign (1 of 4 stars; one submission).

Submission:

CeGaT Center for Human Genetics Tuebingen
Classification: Likely benign. Last evaluated: 2023-11-01. Review status: criteria provided, single submitter. Criteria: CeGaT Center For Human Genetics Tuebingen Variant Classification Criteria Version 2. Collection method: clinical testing. Allele origin: germline. Affected: yes. Observed: 1 variant allele.
Comment: CRBN: PM2:Supporting, BP4, BP7